The following is an entry in ClinVar:

NM_000297.4(PKD2):c.532C>T (p.Leu178Phe)

Genes: PKD2 (polycystin 2, transient receptor potential cation channel; plus strand), LOC129992813 (ATAC-STARR-seq lymphoblastoid silent region 15559; plus strand). Cytogenetic location: 4q22.1.
Variant type: single nucleotide variant.
Coding change: c.532C>T on transcript NM_000297.4 (MANE Select); coding-DNA position 532, C replaced by T.
Protein change: p.Leu178Phe; replaces leucine 178 with phenylalanine.
Molecular consequence: missense variant. On other transcripts: non-coding transcript variant (1).
Genome position (GRCh38, 1-based): chr4:88,008,265, C>T. VCF-style: chr4-88008265-C-T. GRCh37 (hg19) VCF-style: chr4-88929417-C-T.
Other names: short protein forms L178F.
Identifiers: ClinVar variation 2634404 (VCV002634404.5), dbSNP rs940750317, ClinGen allele CA100873337.
Genomic context (GRCh38, chr4:88,008,265, plus strand): 5'-GAGGACCAGGGCCCGCCGTGCCCCAGCCCAGTCGGCGGCGGGGACCCGCTGCATCGCCAC[C>T]TCCCCCTGGAAGGGCAGCCGCCCCGAGTGGCCTGGGCGGAGAGGCTGGTTCGCGGGCTGC-3'
Protein context (NP_000288.1, residues 168-188): VGGGDPLHRH[Leu178Phe]PLEGQPPRVA

ClinVar aggregate classification (germline): Uncertain significance. Review status: criteria provided, multiple submitters, no conflicts (2 of 4 stars). 3 submissions from 3 submitters: Uncertain significance (3). Last evaluated 2025-10-23.

Conditions:
PKD2-related disorder. Also called: PKD2-related condition.
Inborn genetic diseases. Identifiers: MedGen C0950123, MeSH D030342.
Autosomal dominant polycystic kidney disease. Identifiers: Orphanet 730, MedGen C0085413, MONDO:0004691.

Allele frequency attached by ClinVar (database versions not stated): gnomAD exomes 0.00001; gnomAD 0.00002; TOPMed 0.00002; 1000 Genomes Project 30x 0.00016.
gnomAD v4.1: 15 of 1,468,792 alleles (0.001%); highest among the groups gnomAD compares: Admixed American, 0.033%; no homozygotes.

Submissions (3):

Labcorp Genetics (formerly Invitae), Labcorp
Classification: Uncertain significance for Autosomal dominant polycystic kidney disease. Last evaluated: 2025-10-23. Review status: criteria provided, single submitter. Criteria: Invitae Variant Classification Sherloc (09022015). Collection method: clinical testing. Allele origin: germline.
Comment: This sequence change replaces leucine, which is neutral and non-polar, with phenylalanine, which is neutral and non-polar, at codon 178 of the PKD2 protein (p.Leu178Phe). This variant is present in population databases (no rsID available, gnomAD 0.02%). This variant has not been reported in the literature in individuals affected with PKD2-related conditions. ClinVar contains an entry for this variant (Variation ID: 2634404). An algorithm developed to predict the effect of missense changes on protein structure and function (PolyPhen-2) suggests that this variant is likely to be tolerated. In summary, the available evidence is currently insufficient to determine the role of this variant in disease. Therefore, it has been classified as a Variant of Uncertain Significance.

Ambry Genetics
Classification: Uncertain significance for Inborn genetic diseases. Last evaluated: 2024-11-12. Review status: criteria provided, single submitter. Criteria: Ambry Variant Classification Scheme 2023. Collection method: clinical testing. Allele origin: germline.

PreventionGenetics, part of Exact Sciences
Classification: Uncertain significance for PKD2-related condition. Last evaluated: 2023-03-20. Review status: criteria provided, single submitter. Criteria: ACMG Guidelines, 2015. Collection method: clinical testing. Allele origin: germline.
Comment: The PKD2 c.532C>T variant is predicted to result in the amino acid substitution p.Leu178Phe. To our knowledge, this variant has not been reported in the literature. This variant is reported in 0.018% of alleles in individuals of Latino descent in gnomAD. At this time, the clinical significance of this variant is uncertain due to the absence of conclusive functional and genetic evidence.